The following is an entry in ClinVar:

ClinVar aggregate classification (germline): Pathogenic (1 of 4 stars; one submission).

Conditions:
Intellectual developmental disorder with seizures and language delay (IDDSELD). Identifiers: MedGen C5436574, MONDO:0033559, OMIM 619000.

Submission:

Victorian Clinical Genetics Services, Murdoch Childrens Research Institute
Classification: Pathogenic for Intellectual developmental disorder with seizures and language delay. Last evaluated: 2025-09-10. Review status: criteria provided, single submitter. Criteria: ACMG Guidelines, 2015. Collection method: clinical testing. Allele origin: germline. Affected: yes.
Comment: This variant is classified as Pathogenic. Evidence in support of pathogenic classification: Variant is predicted to cause nonsense-mediated decay (NMD) and loss of protein (premature termination codon is located at least 54 nucleotides upstream of the final exon-exon junction); Variant is absent from gnomAD (v2, v3 and v4); Other NMD-predicted variants comparable to the one identified in this case have very strong previous evidence for pathogenicity (DECIPHER). Additional information: This variant is heterozygous; This gene is associated with autosomal dominant disease; This variant has no previous evidence of pathogenicity; No published evidence of segregation with disease has been identified for this variant; No published functional evidence has been identified for this variant; Loss of function is a known mechanism of disease in this gene and is associated with intellectual developmental disorder with seizures and language delay (MIM#619000); Inheritance information for this variant is not currently available in this individual.

NM_001353345.2(SETD1B):c.1232dup (p.Glu412fs)

Gene: SETD1B (SET domain containing 1B, histone lysine methyltransferase; plus strand). Cytogenetic location: 12q24.31.
Variant type: Duplication.
Coding change: c.1232dup on transcript NM_001353345.2 (MANE Select); coding-DNA position 1232, one base duplicated (C; older notation c.1232dupC).
Protein change: p.Glu412fs; shifts the reading frame from glutamic acid 412.
Molecular consequence: frameshift variant.
Genome position (GRCh38, 1-based): chr12:121,810,177, C duplicated; the last of 5 consecutive C bases (chr12:121,810,173-121,810,177); duplicating any one gives the same sequence. VCF-style (leftmost placement, unchanged base first): chr12-121810172-A-AC. GRCh37 (hg19) VCF-style: chr12-122248078-A-AC.
Other names: short protein forms E412fs.
Identifiers: ClinVar variation 4531386 (VCV004531386.1).
Genomic context (GRCh38, chr12:121,810,172, plus strand): 5'-TGCTCCTGGATTCAAGTCTGCTTTCTCTCCGTATCAGACCCCAGTGGCCCACTTCCCTCC[A>AC]CCCCCGGAAGAGCCCACCGCCACAGCCGCTTTTGGGGCCCGCGACAGTGGGGAGTTCCGG-3'